The following is an entry in ClinVar:

ClinVar aggregate classification (germline): Uncertain significance (1 of 4 stars; one submission).

Allele frequency attached by ClinVar (database versions not stated): ExAC below 0.00001; gnomAD 0.00001; gnomAD exomes 0.00001 and 0.00002; TOPMed 0.00002.
gnomAD v4.1: 14 of 1,561,292 alleles (0.0009%); highest among the groups gnomAD compares: Admixed American, 0.0077%; no homozygotes.

Submission:

Labcorp Genetics (formerly Invitae), Labcorp
Classification: Uncertain significance. Last evaluated: 2022-10-13. Review status: criteria provided, single submitter. Criteria: Invitae Variant Classification Sherloc (09022015). Collection method: clinical testing. Allele origin: germline.
Comment: Algorithms developed to predict the effect of missense changes on protein structure and function output the following: SIFT: "Tolerated"; PolyPhen-2: "Benign"; Align-GVGD: "Class C0". The threonine amino acid residue is found in multiple mammalian species, which suggests that this missense change does not adversely affect protein function. ClinVar contains an entry for this variant (Variation ID: 846933). This variant has not been reported in the literature in individuals affected with SAMD11-related conditions. This variant is present in population databases (rs770001898, gnomAD 0.01%). This sequence change replaces alanine, which is neutral and non-polar, with threonine, which is neutral and polar, at codon 36 of the SAMD11 protein (p.Ala36Thr). In summary, the available evidence is currently insufficient to determine the role of this variant in disease. Therefore, it has been classified as a Variant of Uncertain Significance.

NM_001385641.1(SAMD11):c.643G>A (p.Ala215Thr)

Gene: SAMD11 (sterile alpha motif domain containing 11; plus strand). Cytogenetic location: 1p36.33.
Variant type: single nucleotide variant.
Coding change: c.643G>A on transcript NM_001385641.1 (MANE Select); coding-DNA position 643, G replaced by A.
Protein change: p.Ala215Thr; replaces alanine 215 with threonine.
Molecular consequence: missense variant.
Genome position (GRCh38, 1-based): chr1:930,188, G>A. VCF-style: chr1-930188-G-A. GRCh37 (hg19) VCF-style: chr1-865568-G-A.
Other names: c.643G>A, p.Ala215Thr (NM_001385640.1); c.106G>A, p.Ala36Thr (NM_152486.4); short protein forms A36T, A215T.
Identifiers: ClinVar variation 846933 (VCV000846933.21), dbSNP rs770001898, ClinGen allele CA502422.